The following is an entry in ClinVar:

ClinVar aggregate classification (germline): Uncertain significance (1 of 4 stars; one submission).

Submission:

GeneDx
Classification: Uncertain significance. Last evaluated: 2025-07-15. Review status: criteria provided, single submitter. Criteria: GeneDx Variant Classification Process June 2021. Collection method: clinical testing. Allele origin: germline. Affected: yes.
Comment: Not observed at significant frequency in large population cohorts (gnomAD); In silico analysis supports that this missense variant has a deleterious effect on protein structure/function; Has not been previously published as pathogenic or benign to our knowledge

NM_001273.5(CHD4):c.4507C>A (p.Arg1503Ser)

Genes: CHD4 (chromodomain helicase DNA binding protein 4; minus strand), CHD4-AS1 (CHD4 antisense RNA 1; plus strand). Cytogenetic location: 12p13.31.
Variant type: single nucleotide variant.
Coding change: c.4507C>A on transcript NM_001273.5 (MANE Select); coding-DNA position 4507, C replaced by A.
Protein change: p.Arg1503Ser; replaces arginine 1503 with serine.
Molecular consequence: missense variant.
Genome position (GRCh38, 1-based): chr12:6,582,145, G>T on the plus strand (C>A on the coding strand, the complement: CHD4 is on the minus strand). VCF-style: chr12-6582145-G-T. GRCh37 (hg19) VCF-style: chr12-6691311-G-T.
Other names: c.4486C>A, p.Arg1496Ser (NM_001297553.2); c.4468C>A, p.Arg1490Ser (NM_001363606.2); short protein forms R1490S, R1496S, R1503S.
Identifiers: ClinVar variation 4686282 (VCV004686282.1).